The following is an entry in ClinVar:

ClinVar aggregate classification (germline): Uncertain significance. Review status: criteria provided, multiple submitters, no conflicts (2 of 4 stars). 2 submissions from 2 submitters: Uncertain significance (2). Last evaluated 2026-06-16.

Conditions:
Inborn genetic diseases. Identifiers: MedGen C0950123, MeSH D030342.

Allele frequency attached by ClinVar (database versions not stated): TOPMed 0.00001.

Submissions (2):

GeneDx
Classification: Uncertain significance. Last evaluated: 2026-06-16. Review status: criteria provided, single submitter. Criteria: GeneDx Variant Classification Process June 2021. Collection method: clinical testing. Allele origin: germline.
Comment: Not observed at significant frequency in large population cohorts (gnomAD); In silico analysis suggests that this missense variant does not alter protein structure/function; Has not been previously published as pathogenic or benign to our knowledge

Ambry Genetics
Classification: Uncertain significance for Inborn genetic diseases. Last evaluated: 2023-09-25. Review status: criteria provided, single submitter. Criteria: Ambry Variant Classification Scheme 2023. Collection method: clinical testing. Allele origin: germline.

NM_198578.4(LRRK2):c.6317T>C (p.Met2106Thr)

Gene: LRRK2 (leucine rich repeat kinase 2; plus strand). Cytogenetic location: 12q12.
Variant type: single nucleotide variant.
Coding change: c.6317T>C on transcript NM_198578.4 (MANE Select); coding-DNA position 6317, T replaced by C.
Protein change: p.Met2106Thr; replaces methionine 2106 with threonine.
Molecular consequence: missense variant.
Genome position (GRCh38, 1-based): chr12:40,348,445, T>C. VCF-style: chr12-40348445-T-C. GRCh37 (hg19) VCF-style: chr12-40742247-T-C.
Other names: short protein forms M2106T.
Identifiers: ClinVar variation 1810510 (VCV001810510.3), dbSNP rs752415841, ClinGen allele CA384406070.